The following is an entry in ClinVar:

NM_000090.4(COL3A1):c.2955_2958dup (p.Gly987Ter)

Gene: COL3A1 (collagen type III alpha 1 chain; plus strand). Cytogenetic location: 2q32.2.
Variant type: Duplication.
Coding change: c.2955_2958dup on transcript NM_000090.4 (MANE Select); coding-DNA positions 2955 to 2958, 4 bases duplicated (TAAC; older notation c.2955_2958dupTAAC).
Protein change: p.Gly987Ter; replaces glycine 987 with a stop codon.
Molecular consequence: nonsense.
Genome position (GRCh38, 1-based): chr2:189,005,373-189,005,376, TAAC duplicated; duplicating any 4 consecutive bases within chr2:189,005,372-189,005,376 gives the same sequence; the c. name uses the placement nearest the transcript's 3' end. VCF-style (leftmost placement, unchanged base first): chr2-189005371-G-GCTAA. GRCh37 (hg19) VCF-style: chr2-189870097-G-GCTAA.
Other names: short protein forms G987*.
Identifiers: ClinVar variation 1457369 (VCV001457369.6), dbSNP rs2153503632, ClinGen allele CA2573134199.
Genomic context (GRCh38, chr2:189,005,371, plus strand): 5'-TAAGTTGAAACAAAATGTTTTTCATTCCTTTGTATACAGGGTGAAAGTGGGAAACCAGGA[G>GCTAA]CTAACGGTCTCAGTGGAGAACGTGGTCCCCCTGGACCCCAGGGTCTTCCTGGTCTGGCTG-3'

ClinVar aggregate classification (germline): Pathogenic (1 of 4 stars; one submission).

Conditions:
Ehlers-Danlos syndrome, type 4 (EDSVASC). Also called: Ehlers-Danlos syndrome vascular type; Ehlers Danlos syndrome, ecchymotic type; Ehlers Danlos syndrome, arterial type; Ehlers Danlos syndrome, Sack-Barabas type; Ehlers-Danlos Syndrome Type IV. Identifiers: Orphanet 286, MedGen C0268338, MONDO:0017314, OMIM 130050.

Submission:

Labcorp Genetics (formerly Invitae), Labcorp
Classification: Pathogenic for Ehlers-Danlos syndrome, type 4. Last evaluated: 2021-06-23. Review status: criteria provided, single submitter. Criteria: Invitae Variant Classification Sherloc (09022015). Collection method: clinical testing. Allele origin: germline.
Comment: For these reasons, this variant has been classified as Pathogenic. This variant has not been reported in the literature in individuals with COL3A1-related conditions. This variant is not present in population databases (ExAC no frequency). This sequence change creates a premature translational stop signal (p.Gly987*) in the COL3A1 gene. It is expected to result in an absent or disrupted protein product. Loss-of-function variants in COL3A1 are known to be pathogenic (PMID: 24922459).

Literature cited by the submitters: PubMed 24922459.